The following is an entry in ClinVar:

ClinVar aggregate classification (germline): Likely benign (1 of 4 stars; one submission).

Conditions:
TMEM127-related disorder. Also called: TMEM127-related condition.

gnomAD v4.1: 1 of 1,614,240 alleles (0.000062%); highest among the groups gnomAD compares: Non-Finnish European, 0.000085%; no homozygotes.

Submission:

PreventionGenetics, part of Exact Sciences
Classification: Likely benign for TMEM127-related condition. Last evaluated: 2025-12-17. Review status: criteria provided, single submitter. Criteria: ACMG Guidelines, 2015. Collection method: clinical testing. Allele origin: germline.
Comment: This variant is classified as likely benign based on ACMG/AMP sequence variant interpretation guidelines (Richards et al. 2015 PMID: 25741868, with internal and published modifications).

NM_017849.4(TMEM127):c.279G>A (p.Leu93=)

Gene: TMEM127 (transmembrane protein 127; minus strand). Cytogenetic location: 2q11.2.
Variant type: single nucleotide variant.
Coding change: c.279G>A on transcript NM_017849.4 (MANE Select); coding-DNA position 279, G replaced by A.
Protein change: p.Leu93=; no amino-acid change (leucine 93 retained).
Molecular consequence: synonymous variant.
Genome position (GRCh38, 1-based): chr2:96,254,963, C>T on the plus strand (G>A on the coding strand, the complement: TMEM127 is on the minus strand). VCF-style: chr2-96254963-C-T. GRCh37 (hg19) VCF-style: chr2-96920701-C-T.
Other names: c.279G>A, p.Leu93= (NM_001193304.3); c.27G>A, p.Leu9= (NM_001407282.1, NM_001407283.1).
Identifiers: ClinVar variation 4993653 (VCV004993653.1).